The following is an entry in ClinVar:

NM_003737.4(DCHS1):c.6061C>T (p.Arg2021Cys)

Gene: DCHS1 (dachsous cadherin-related 1; minus strand). Cytogenetic location: 11p15.4.
Variant type: single nucleotide variant.
Coding change: c.6061C>T on transcript NM_003737.4 (MANE Select); coding-DNA position 6061, C replaced by T.
Protein change: p.Arg2021Cys; replaces arginine 2021 with cysteine.
Molecular consequence: missense variant.
Genome position (GRCh38, 1-based): chr11:6,626,978, G>A on the plus strand (C>T on the coding strand, the complement: DCHS1 is on the minus strand). VCF-style: chr11-6626978-G-A. GRCh37 (hg19) VCF-style: chr11-6648209-G-A.
Other names: c.6061C>T (NM_003737.2); short protein forms R2021C.
Identifiers: ClinVar variation 1678837 (VCV001678837.9), dbSNP rs372587898, ClinGen allele CA5859969.

ClinVar aggregate classification (germline): Uncertain significance. Review status: criteria provided, multiple submitters, no conflicts (2 of 4 stars). 3 submissions from 3 submitters: Uncertain significance (3). Last evaluated 2025-11-23.

Conditions:
Inborn genetic diseases. Identifiers: MedGen C0950123, MeSH D030342.

Allele frequency attached by ClinVar (database versions not stated): ExAC 0.00004; gnomAD exomes 0.00004; gnomAD 0.00005; ESP Exome Variant Server 0.00023.
gnomAD v4.1: 62 of 1,613,638 alleles (0.0038%); highest among the groups gnomAD compares: Middle Eastern, 0.016%; no homozygotes.

Submissions (3):

Labcorp Genetics (formerly Invitae), Labcorp
Classification: Uncertain significance. Last evaluated: 2025-11-23. Review status: criteria provided, single submitter. Criteria: Invitae Variant Classification Sherloc (09022015). Collection method: clinical testing. Allele origin: germline.
Comment: This sequence change replaces arginine, which is basic and polar, with cysteine, which is neutral and slightly polar, at codon 2021 of the DCHS1 protein (p.Arg2021Cys). This variant is present in population databases (rs372587898, gnomAD 0.01%). This variant has not been reported in the literature in individuals affected with DCHS1-related conditions. ClinVar contains an entry for this variant (Variation ID: 1678837). Invitae Evidence Modeling of protein sequence and biophysical properties (such as structural, functional, and spatial information, amino acid conservation, physicochemical variation, residue mobility, and thermodynamic stability) indicates that this missense variant is not expected to disrupt DCHS1 protein function with a negative predictive value of 80%. In summary, the available evidence is currently insufficient to determine the role of this variant in disease. Therefore, it has been classified as a Variant of Uncertain Significance.

GeneDx
Classification: Uncertain significance. Last evaluated: 2025-07-16. Review status: criteria provided, single submitter. Criteria: GeneDx Variant Classification Process June 2021. Collection method: clinical testing. Allele origin: germline. Affected: yes.
Comment: In silico analysis supports that this missense variant has a deleterious effect on protein structure/function; Has not been previously published as pathogenic or benign to our knowledge

Ambry Genetics
Classification: Uncertain significance for Inborn genetic diseases. Last evaluated: 2022-06-10. Review status: criteria provided, single submitter. Criteria: Ambry Variant Classification Scheme 2023. Collection method: clinical testing. Allele origin: germline.